The following is an entry in ClinVar:

ClinVar aggregate classification (germline): Likely benign. Review status: criteria provided, multiple submitters, no conflicts (2 of 4 stars). 2 submissions from 2 submitters: Likely benign (2). Last evaluated 2024-08-13.

Conditions:
Hypercholesterolemia, autosomal dominant, 3 (FHCL3). Also called: Familial hypercholesterolemia 3; Familial Hypercholesterolemia, Autosomal Dominant, 3; PCSK9-Related Familial Hypercholesterolemia, Autosomal Dominant. Identifiers: MedGen C1863551, MONDO:0011369, OMIM 603776.

Allele frequency attached by ClinVar (database versions not stated): gnomAD exomes below 0.00001.
gnomAD v4.1: 1 of 1,614,192 alleles (0.000062%); highest among the groups gnomAD compares: South Asian, 0.0011%; no homozygotes.

Submissions (2):

All of Us Research Program, National Institutes of Health
Classification: Likely benign for Hypercholesterolemia, autosomal dominant, 3. Last evaluated: 2024-08-13. Review status: criteria provided, single submitter. Criteria: ACMG Guidelines, 2015. Collection method: clinical testing. Allele origin: germline. Inheritance: Autosomal dominant inheritance. Observed: 1 variant allele, 1 heterozygote.
Comment: This study involves interpretation of variants in research participants for the purpose of population health screening. Participant phenotype was not available at the time of variant classification. Additional details can be found in publication PMID: 35346344, PMCID: PMC8962531

Labcorp Genetics (formerly Invitae), Labcorp
Classification: Likely benign for Hypercholesterolemia, autosomal dominant, 3. Last evaluated: 2023-01-01. Review status: criteria provided, single submitter. Criteria: Invitae Variant Classification Sherloc (09022015). Collection method: clinical testing. Allele origin: germline.

NM_174936.4(PCSK9):c.400-13C>T

Gene: PCSK9 (proprotein convertase subtilisin/kexin type 9; plus strand). Cytogenetic location: 1p32.3.
Variant type: single nucleotide variant.
Coding change: c.400-13C>T on transcript NM_174936.4 (MANE Select); 13 bases into the intron before coding-DNA position 400, C replaced by T.
Molecular consequence: intron variant.
Genome position (GRCh38, 1-based): chr1:55,046,510, C>T. VCF-style: chr1-55046510-C-T. GRCh37 (hg19) VCF-style: chr1-55512183-C-T.
Other names: c.25-13C>T (NM_001407246.1); c.523-13C>T (NM_001407240.1); c.400-13C>T (NM_001407242.1, NM_001407241.1, NM_001407244.1 and 1 more transcripts); c.400-70C>T (NM_001407243.1); c.208-13C>T (NM_001407245.1).
Identifiers: ClinVar variation 2975856 (VCV002975856.4), dbSNP rs2523195198, ClinGen allele CA2645838336.